The following is an entry in ClinVar:

NM_001148.6(ANK2):c.441A>T (p.Lys147Asn)

Gene: ANK2 (ankyrin 2; plus strand). Cytogenetic location: 4q26.
Variant type: single nucleotide variant.
Coding change: c.441A>T on transcript NM_001148.6 (MANE Select); coding-DNA position 441, A replaced by T.
Protein change: p.Lys147Asn; replaces lysine 147 with asparagine.
Molecular consequence: missense variant.
Genome position (GRCh38, 1-based): chr4:113,232,217, A>T. VCF-style: chr4-113232217-A-T. GRCh37 (hg19) VCF-style: chr4-114153373-A-T.
Other names: c.378A>T, p.Lys126Asn (NM_001127493.3, NM_001354239.2, NM_001354243.2 and 33 more transcripts); c.441A>T, p.Lys147Asn (NM_001354225.2, NM_001354228.2, NM_001354232.2 and 9 more transcripts); c.486A>T, p.Lys162Asn (NM_001354230.2, NM_001354231.2, NM_001354237.2 and 5 more transcripts); c.423A>T, p.Lys141Asn (NM_001354261.2, NM_001386147.1, NM_001386160.1); c.429A>T, p.Lys143Asn (NM_001354269.3, NM_001386148.2, NM_001386186.2 and 1 more transcripts); c.492A>T, p.Lys164Asn (NM_001386174.1, NM_001386175.1); short protein forms K141N, K162N, K126N, K143N, K147N, K164N.
Identifiers: ClinVar variation 1041942 (VCV001041942.6), dbSNP rs776735614, ClinGen allele CA3050032.
Genomic context (GRCh38, chr4:113,232,217, plus strand): 5'-TCAGAATGGCTTTACTCCTTTATACATGGCTGCCCAAGAGAATCACATTGATGTTGTAAA[A>T]TATTTGCTGGAAAATGGAGCTAATCAGAGCACTGCTACAGAGGTAAGACTGTCAGCCCTA-3'
Protein context (NP_001139.3, residues 137-157): AAQENHIDVV[Lys147Asn]YLLENGANQS

ClinVar aggregate classification (germline): Uncertain significance. Review status: criteria provided, multiple submitters, no conflicts (2 of 4 stars). 2 submissions from 2 submitters: Uncertain significance (2). Last evaluated 2024-04-11.

Conditions:
Long QT syndrome (LQTS). Identifiers: MedGen C0023976, MeSH D008133, MONDO:0002442. Disease mechanism: loss of function. Inheritance: Various modes of inheritance.

Allele frequency attached by ClinVar (database versions not stated): TOPMed below 0.00001; ExAC 0.00001; gnomAD 0.00001; gnomAD exomes 0.00002.
gnomAD v4.1: 25 of 1,608,302 alleles (0.0016%); highest among the groups gnomAD compares: Non-Finnish European, 0.00051%; no homozygotes.

Submissions (2):

Blueprint Genetics
Classification: Uncertain significance. Last evaluated: 2024-04-11. Review status: criteria provided, single submitter. Criteria: ACMG Guidelines, 2015. Collection method: clinical testing. Allele origin: germline.

Labcorp Genetics (formerly Invitae), Labcorp
Classification: Uncertain significance for Long QT syndrome. Last evaluated: 2020-07-20. Review status: criteria provided, single submitter. Criteria: Invitae Variant Classification Sherloc (09022015). Collection method: clinical testing. Allele origin: germline.
Comment: In summary, the available evidence is currently insufficient to determine the role of this variant in disease. Therefore, it has been classified as a Variant of Uncertain Significance. Algorithms developed to predict the effect of missense changes on protein structure and function are either unavailable or do not agree on the potential impact of this missense change (SIFT: "Deleterious"; PolyPhen-2: "Probably Damaging"; Align-GVGD: "Class C0"). This variant has not been reported in the literature in individuals with ANK2-related conditions. This variant is present in population databases (rs776735614, ExAC 0.02%). This sequence change replaces lysine with asparagine at codon 147 of the ANK2 protein (p.Lys147Asn). The lysine residue is moderately conserved and there is a moderate physicochemical difference between lysine and asparagine.